The following is an entry in ClinVar:

NM_000222.3(KIT):c.1932G>A (p.Leu644=)

Gene: KIT (KIT proto-oncogene, receptor tyrosine kinase; plus strand). Cytogenetic location: 4q12.
Variant type: single nucleotide variant.
Coding change: c.1932G>A on transcript NM_000222.3 (MANE Select); coding-DNA position 1932, G replaced by A.
Protein change: p.Leu644=; no amino-acid change (leucine 644 retained).
Molecular consequence: synonymous variant.
Genome position (GRCh38, 1-based): chr4:54,728,063, G>A. VCF-style: chr4-54728063-G-A. GRCh37 (hg19) VCF-style: chr4-55594229-G-A.
Other names: c.1920G>A, p.Leu640= (NM_001093772.2, NM_001385286.1); c.1935G>A, p.Leu645= (NM_001385284.1, NM_001385290.1); c.1932G>A, p.Leu644= (NM_001385285.1); c.1923G>A, p.Leu641= (NM_001385288.1, NM_001385292.1).
Identifiers: ClinVar variation 1082945 (VCV001082945.15), dbSNP rs1447436759, ClinGen allele CA439291483.

ClinVar aggregate classification (germline): Likely benign. Review status: criteria provided, multiple submitters, no conflicts (2 of 4 stars). 4 submissions from 4 submitters: Likely benign (4). Last evaluated 2026-01-01.

Conditions:
Gastrointestinal stromal tumor. Also called: Gastrointestinal stromal tumor, somatic; Gastrointestinal stroma tumor. Identifiers: Orphanet 44890, MedGen C0238198, MeSH D046152, MONDO:0011719, OMIM 606764, HP:0100723.
Hereditary cancer-predisposing syndrome. Also called: Neoplastic Syndromes, Hereditary; Tumor predisposition; Hereditary neoplastic syndrome; Hereditary Cancer Syndrome. Identifiers: Orphanet 140162, MedGen C0027672, MeSH D009386, MONDO:0015356.

Allele frequency attached by ClinVar (database versions not stated): gnomAD exomes below 0.00001.
gnomAD v4.1: 2 of 1,613,988 alleles (0.00012%); highest among the groups gnomAD compares: Non-Finnish European, 0.00017%; no homozygotes.

Submissions (4):

CeGaT Center for Human Genetics Tuebingen
Classification: Likely benign. Last evaluated: 2026-01-01. Review status: criteria provided, single submitter. Criteria: CeGaT Center For Human Genetics Tuebingen Variant Classification Criteria Version 2. Collection method: clinical testing. Allele origin: germline. Affected: yes. Observed: 1 variant allele.
Comment: KIT: BP4, BP7

Ambry Genetics
Classification: Likely benign for Hereditary cancer-predisposing syndrome. Last evaluated: 2024-05-26. Review status: criteria provided, single submitter. Criteria: Ambry Variant Classification Scheme 2023. Collection method: clinical testing. Allele origin: germline.

Sema4
Classification: Likely benign for Hereditary cancer-predisposing syndrome. Last evaluated: 2021-01-04. Review status: criteria provided, single submitter. Criteria: Sema4 Curation Guidelines. Collection method: curation. Allele origin: germline.

Labcorp Genetics (formerly Invitae), Labcorp
Classification: Likely benign for Gastrointestinal stromal tumor. Last evaluated: 2020-06-26. Review status: criteria provided, single submitter. Criteria: Invitae Variant Classification Sherloc (09022015). Collection method: clinical testing. Allele origin: germline.